The following is an entry in ClinVar:

ClinVar aggregate classification (germline): Uncertain significance (1 of 4 stars; one submission).

Submission:

Women's Health and Genetics/Laboratory Corporation of America, LabCorp
Classification: Uncertain significance. Last evaluated: 2025-12-30. Review status: criteria provided, single submitter. Criteria: LabCorp Variant Classification Summary - May 2015. Collection method: clinical testing. Allele origin: germline.
Comment: Variant summary: TTN c.10939A>G (p.Ile3647Val) results in a conservative amino acid change in the encoded protein sequence. Algorithms developed to predict the effect of missense changes on protein structure and function are either unavailable or do not agree on the potential impact of this missense change. The variant was absent in 248352 control chromosomes. The available data on variant occurrences in the general population are insufficient to allow any conclusion about variant significance. To our knowledge, no occurrence of c.10939A>G in individuals affected with TTN-related conditions and no experimental evidence demonstrating its impact on protein function have been reported. No submitters have cited clinical-significance assessments for this variant to ClinVar. Based on the evidence outlined above, the variant was classified as uncertain significance.

NM_001267550.2(TTN):c.14671A>G (p.Ile4891Val)

Gene: TTN (titin; minus strand). Cytogenetic location: 2q31.2.
Variant type: single nucleotide variant.
Coding change: c.14671A>G on transcript NM_001267550.2 (MANE Select); coding-DNA position 14671, A replaced by G.
Protein change: p.Ile4891Val; replaces isoleucine 4891 with valine.
Molecular consequence: missense variant. On other transcripts: intron variant (3).
Genome position (GRCh38, 1-based): chr2:178,735,775, T>C on the plus strand (A>G on the coding strand, the complement: TTN is on the minus strand). VCF-style: chr2-178735775-T-C. GRCh37 (hg19) VCF-style: chr2-179600502-T-C.
Other names: c.13720A>G, p.Ile4574Val (NM_001256850.1); c.10939A>G, p.Ile3647Val (NM_133378.4); c.13282+2307A>G (NM_003319.4); c.13858+2307A>G (NM_133437.4); c.13657+2307A>G (NM_133432.3); short protein forms I3647V, I4574V, I4891V.
Identifiers: ClinVar variation 4688577 (VCV004688577.1).